The following is an entry in ClinVar:

ClinVar aggregate classification (germline): Uncertain significance. Review status: criteria provided, multiple submitters, no conflicts (2 of 4 stars). 3 submissions from 3 submitters: Uncertain significance (3). Last evaluated 2024-03-06.

Conditions:
Catecholaminergic polymorphic ventricular tachycardia (CVPT). Also called: Catecholamine-induced polymorphic ventricular tachycardia. Identifiers: Orphanet 3286, MedGen C5574922, MONDO:0017990.
Cardiomyopathy (CMYO). Also called: Cardiomyopathies. Identifiers: Orphanet 167848, MedGen C0878544, MONDO:0004994, HP:0001638. Inheritance: Various modes of inheritance.
Catecholaminergic polymorphic ventricular tachycardia 1. Also called: VENTRICULAR TACHYCARDIA, CATECHOLAMINERGIC POLYMORPHIC, 1, WITH OR WITHOUT ATRIAL DYSFUNCTION AND/OR DILATED CARDIOMYOPATHY; RYR2-Related Catecholaminergic Polymorphic Ventricular Tachycardia; VENTRICULAR TACHYCARDIA, STRESS-INDUCED POLYMORPHIC 1. Identifiers: Orphanet 3286, MedGen C1631597, MONDO:0011484, OMIM 604772.

Allele frequency attached by ClinVar (database versions not stated): gnomAD 0.00001.
gnomAD v4.1: 1 of 1,613,800 alleles (0.000062%); highest among the groups gnomAD compares: Non-Finnish European, 0.000085%; no homozygotes.

Submissions (3):

Color Diagnostics, LLC DBA Color Health
Classification: Uncertain significance for Cardiomyopathy. Last evaluated: 2024-03-06. Review status: criteria provided, single submitter. Criteria: ACMG Guidelines, 2015. Collection method: clinical testing. Allele origin: germline.
Comment: This variant is located in the RYR2 protein. Computational prediction suggests that this variant may not impact protein structure and function (internally defined REVEL score threshold <= 0.5, PMID: 27666373). To our knowledge, functional studies have not been reported for this variant. This variant has not been reported in individuals affected with RYR2-related disorders in the literature. This variant has been identified in 1/31396 chromosomes in the general population by the Genome Aggregation Database (gnomAD). The available evidence is insufficient to determine the role of this variant in disease conclusively. Therefore, this variant is classified as a Variant of Uncertain Significance.

All of Us Research Program, National Institutes of Health
Classification: Uncertain significance for Catecholaminergic polymorphic ventricular tachycardia. Last evaluated: 2023-12-13. Review status: criteria provided, single submitter. Criteria: ACMG Guidelines, 2015. Collection method: clinical testing. Allele origin: germline. Inheritance: Autosomal dominant inheritance. Observed: 4 variant alleles, 4 heterozygotes.
Comment: Variant of Uncertain Significance due to insufficient evidence: This missense variant replaces lysine with arginine at codon 2352 of the RYR2 protein. Computational prediction tools and conservation analyses are inconclusive regarding the impact of this variant on the protein function. Computational splicing tools suggest that this variant may not impact RNA splicing. To our knowledge, functional assays have not been performed for this variant nor has this variant been reported in individuals affected with cardiovascular disorders in the literature. This variant has been identified in 1/31396 chromosomes in the general population by the Genome Aggregation Database (gnomAD). Available evidence is insufficient to determine the role of this variant in disease conclusively.

This study involves interpretation of variants in research participants for the purpose of population health screening. Participant phenotype was not available at the time of variant classification. Additional details can be found in publication PMID: 35346344, PMCID: PMC8962531

Labcorp Genetics (formerly Invitae), Labcorp
Classification: Uncertain significance for Catecholaminergic polymorphic ventricular tachycardia 1. Last evaluated: 2021-03-07. Review status: criteria provided, single submitter. Criteria: Invitae Variant Classification Sherloc (09022015). Collection method: clinical testing. Allele origin: germline.
Comment: This sequence change replaces lysine with arginine at codon 2352 of the RYR2 protein (p.Lys2352Arg). The lysine residue is highly conserved and there is a small physicochemical difference between lysine and arginine. This variant is not present in population databases (ExAC no frequency). This variant has not been reported in the literature in individuals with RYR2-related conditions. ClinVar contains an entry for this variant (Variation ID: 925811). Advanced modeling of protein sequence and biophysical properties (such as structural, functional, and spatial information, amino acid conservation, physicochemical variation, residue mobility, and thermodynamic stability) performed at Invitae indicates that this missense variant is not expected to disrupt RYR2 protein function. In summary, the available evidence is currently insufficient to determine the role of this variant in disease. Therefore, it has been classified as a Variant of Uncertain Significance.

NM_001035.3(RYR2):c.7055A>G (p.Lys2352Arg)

Gene: RYR2 (ryanodine receptor 2; plus strand). Cytogenetic location: 1q43.
Variant type: single nucleotide variant.
Coding change: c.7055A>G on transcript NM_001035.3 (MANE Select); coding-DNA position 7055, A replaced by G.
Protein change: p.Lys2352Arg; replaces lysine 2352 with arginine.
Molecular consequence: missense variant.
Genome position (GRCh38, 1-based): chr1:237,639,141, A>G. VCF-style: chr1-237639141-A-G. GRCh37 (hg19) VCF-style: chr1-237802441-A-G.
Other names: short protein forms K2352R.
Identifiers: ClinVar variation 925811 (VCV000925811.15), dbSNP rs1378161090, ClinGen allele CA345395993.